The following is an entry in ClinVar:

ClinVar aggregate classification (germline): Conflicting classifications of pathogenicity. Review status: criteria provided, conflicting classifications (1 of 4 stars). 3 submissions from 3 submitters: Uncertain significance (2); Likely benign (1). Last evaluated 2025-05-14.

Conditions:
Emery-Dreifuss muscular dystrophy 5, autosomal dominant (EDMD5). Also called: EMERY-DREIFUSS MUSCULAR DYSTROPHY 5. Identifiers: Orphanet 261, MedGen C2751805, MONDO:0013072, OMIM 612999.

Allele frequency attached by ClinVar (database versions not stated): ExAC 0.00002; gnomAD 0.00002; gnomAD exomes 0.00002 and 0.00003; TOPMed 0.00002; ESP Exome Variant Server 0.00008.
gnomAD v4.1: 42 of 1,613,954 alleles (0.0026%); highest among the groups gnomAD compares: Non-Finnish European, 0.0036%; no homozygotes.

Submissions (3):

Ambry Genetics
Classification: Uncertain significance. Last evaluated: 2025-05-14. Review status: criteria provided, single submitter. Criteria: Ambry Variant Classification Scheme 2023. Collection method: clinical testing. Allele origin: germline.

Labcorp Genetics (formerly Invitae), Labcorp
Classification: Uncertain significance for Emery-Dreifuss muscular dystrophy 5, autosomal dominant. Last evaluated: 2024-04-29. Review status: criteria provided, single submitter. Criteria: Invitae Variant Classification Sherloc (09022015). Collection method: clinical testing. Allele origin: germline.
Comment: This sequence change replaces alanine, which is neutral and non-polar, with threonine, which is neutral and polar, at codon 6603 of the SYNE2 protein (p.Ala6603Thr). This variant is present in population databases (rs143077670, gnomAD 0.004%). This variant has not been reported in the literature in individuals affected with SYNE2-related conditions. ClinVar contains an entry for this variant (Variation ID: 883967). An algorithm developed to predict the effect of missense changes on protein structure and function (PolyPhen-2) suggests that this variant is likely to be disruptive. In summary, the available evidence is currently insufficient to determine the role of this variant in disease. Therefore, it has been classified as a Variant of Uncertain Significance.

Illumina Laboratory Services, Illumina
Classification: Likely benign for Emery-Dreifuss muscular dystrophy 5, autosomal dominant. Last evaluated: 2018-01-13. Review status: criteria provided, single submitter. Criteria: ICSL Variant Classification Criteria 13 December 2019. Collection method: clinical testing. Allele origin: germline.
Comment: This variant was observed in the ICSL laboratory as part of a predisposition screen in an ostensibly healthy population. It had not been previously curated by ICSL or reported in the Human Gene Mutation Database (HGMD: prior to June 1st, 2018), and was therefore a candidate for classification through an automated scoring system. Utilizing variant allele frequency, disease prevalence and penetrance estimates, and inheritance mode, an automated score was calculated to assess if this variant is too frequent to cause the disease. Based on the score and internal cut-off values, a variant classified as likely benign is not then subjected to further curation. The score for this variant resulted in a classification of likely benign for this disease.

NM_182914.3(SYNE2):c.19807G>A (p.Ala6603Thr)

Gene: SYNE2 (spectrin repeat containing nuclear envelope protein 2; plus strand). Cytogenetic location: 14q23.2.
Variant type: single nucleotide variant.
Coding change: c.19807G>A on transcript NM_182914.3 (MANE Select); coding-DNA position 19807, G replaced by A.
Protein change: p.Ala6603Thr; replaces alanine 6603 with threonine.
Molecular consequence: missense variant.
Genome position (GRCh38, 1-based): chr14:64,219,357, G>A. VCF-style: chr14-64219357-G-A. GRCh37 (hg19) VCF-style: chr14-64686075-G-A.
Other names: c.19738G>A, p.Ala6580Thr (NM_015180.6); c.331G>A, p.Ala111Thr (NM_182910.2); c.709G>A, p.Ala237Thr (NM_182913.4); short protein forms A6603T, A237T, A6580T, A111T.
Identifiers: ClinVar variation 883967 (VCV000883967.10), dbSNP rs143077670, ClinGen allele CA7224585.